The following is an entry in ClinVar:

NM_006922.4(SCN3A):c.1027G>T (p.Ala343Ser)

Gene: SCN3A (sodium voltage-gated channel alpha subunit 3; minus strand). Cytogenetic location: 2q24.3.
Variant type: single nucleotide variant.
Coding change: c.1027G>T on transcript NM_006922.4 (MANE Select); coding-DNA position 1027, G replaced by T.
Protein change: p.Ala343Ser; replaces alanine 343 with serine.
Molecular consequence: missense variant.
Genome position (GRCh38, 1-based): chr2:165,162,312, C>A on the plus strand (G>T on the coding strand, the complement: SCN3A is on the minus strand). VCF-style: chr2-165162312-C-A. GRCh37 (hg19) VCF-style: chr2-166018822-C-A.
Other names: c.1027G>T, p.Ala343Ser (NM_001081676.2, NM_001081677.2); short protein forms A343S.
Identifiers: ClinVar variation 953945 (VCV000953945.10), dbSNP rs755224774, ClinGen allele CA1939271.

ClinVar aggregate classification (germline): Uncertain significance. Review status: criteria provided, multiple submitters, no conflicts (2 of 4 stars). 2 submissions from 2 submitters: Uncertain significance (2). Last evaluated 2025-05-05.

Allele frequency attached by ClinVar (database versions not stated): TOPMed below 0.00001; ExAC 0.00001; gnomAD 0.00001; gnomAD exomes 0.00001.
gnomAD v4.1: 10 of 1,612,312 alleles (0.00062%); highest among the groups gnomAD compares: African/African-American, 0.0013%; no homozygotes.

Submissions (2):

Labcorp Genetics (formerly Invitae), Labcorp
Classification: Uncertain significance. Last evaluated: 2025-05-05. Review status: criteria provided, single submitter. Criteria: Invitae Variant Classification Sherloc (09022015). Collection method: clinical testing. Allele origin: germline.
Comment: This sequence change replaces alanine, which is neutral and non-polar, with serine, which is neutral and polar, at codon 343 of the SCN3A protein (p.Ala343Ser). This variant is present in population databases (rs755224774, gnomAD 0.004%). This variant has not been reported in the literature in individuals affected with SCN3A-related conditions. ClinVar contains an entry for this variant (Variation ID: 953945). Invitae Evidence Modeling of protein sequence and biophysical properties (such as structural, functional, and spatial information, amino acid conservation, physicochemical variation, residue mobility, and thermodynamic stability) indicates that this missense variant is not expected to disrupt SCN3A protein function with a negative predictive value of 95%. In summary, the available evidence is currently insufficient to determine the role of this variant in disease. Therefore, it has been classified as a Variant of Uncertain Significance.

GeneDx
Classification: Uncertain significance. Last evaluated: 2024-08-29. Review status: criteria provided, single submitter. Criteria: GeneDx Variant Classification Process June 2021. Collection method: clinical testing. Allele origin: germline. Affected: yes.
Comment: In silico analysis indicates that this missense variant does not alter protein structure/function; Has not been previously published as pathogenic or benign to our knowledge